The following is an entry in ClinVar:

NM_002234.4(KCNA5):c.830A>G (p.Asp277Gly)

Gene: KCNA5 (potassium voltage-gated channel subfamily A member 5; plus strand). Cytogenetic location: 12p13.32.
Variant type: single nucleotide variant.
Coding change: c.830A>G on transcript NM_002234.4 (MANE Select); coding-DNA position 830, A replaced by G.
Protein change: p.Asp277Gly; replaces aspartic acid 277 with glycine.
Molecular consequence: missense variant.
Genome position (GRCh38, 1-based): chr12:5,044,977, A>G. VCF-style: chr12-5044977-A-G. GRCh37 (hg19) VCF-style: chr12-5154143-A-G.
Other names: short protein forms D277G.
Identifiers: ClinVar variation 1370462 (VCV001370462.9), dbSNP rs928585633, ClinGen allele CA231867923.

ClinVar aggregate classification (germline): Uncertain significance. Review status: criteria provided, multiple submitters, no conflicts (2 of 4 stars). 2 submissions from 2 submitters: Uncertain significance (2). Last evaluated 2025-11-04.

Conditions:
Atrial fibrillation, familial, 7 (ATFB7). Identifiers: MedGen C2677106, MONDO:0012828, OMIM 612240.

Allele frequency attached by ClinVar (database versions not stated): gnomAD exomes below 0.00001; TOPMed below 0.00001.

Submissions (2):

Women's Health and Genetics/Laboratory Corporation of America, LabCorp
Classification: Uncertain significance. Last evaluated: 2025-11-04. Review status: criteria provided, single submitter. Criteria: LabCorp Variant Classification Summary - May 2015. Collection method: clinical testing. Allele origin: germline.

Labcorp Genetics (formerly Invitae), Labcorp
Classification: Uncertain significance for Atrial fibrillation, familial, 7. Last evaluated: 2021-02-07. Review status: criteria provided, single submitter. Criteria: Invitae Variant Classification Sherloc (09022015). Collection method: clinical testing. Allele origin: germline.
Comment: This sequence change replaces aspartic acid with glycine at codon 277 of the KCNA5 protein (p.Asp277Gly). The aspartic acid residue is highly conserved and there is a moderate physicochemical difference between aspartic acid and glycine. In summary, the available evidence is currently insufficient to determine the role of this variant in disease. Therefore, it has been classified as a Variant of Uncertain Significance. Algorithms developed to predict the effect of missense changes on protein structure and function are either unavailable or do not agree on the potential impact of this missense change (SIFT: "Tolerated"; PolyPhen-2: "Possibly Damaging"; Align-GVGD: "Class C0"). This variant has not been reported in the literature in individuals with KCNA5-related conditions. This variant is not present in population databases (ExAC no frequency).